The following is an entry in ClinVar:

ClinVar aggregate classification (germline): Pathogenic/Likely pathogenic. Review status: criteria provided, multiple submitters, no conflicts (2 of 4 stars). 3 submissions from 3 submitters: Pathogenic (1); Likely pathogenic (2). Last evaluated 2024-05-06.

Conditions:
Nephronophthisis 1 (NPHP1). Also called: Nephronophthisis familial juvenile. Identifiers: Orphanet 655, Orphanet 93592, MedGen C1855681, MONDO:0009728, OMIM 256100.
Senior-Loken syndrome 1 (SLSN1). Also called: JUVENILE NEPHRONOPHTHISIS WITH LEBER AMAUROSIS. Identifiers: Orphanet 3156, MedGen C4551559, MONDO:0009962, OMIM 266900.
Joubert syndrome with renal defect. Also called: JOUBERT SYNDROME 4. Identifiers: Orphanet 220497, MedGen C1846790, MONDO:0012308, OMIM 609583.
Nephronophthisis. Also called: Juvenile Nephronophthisis. Identifiers: Orphanet 655, MedGen C0687120, MONDO:0019005, HP:0000090.

Submissions (3):

Labcorp Genetics (formerly Invitae), Labcorp
Classification: Pathogenic for Nephronophthisis. Last evaluated: 2024-05-06. Review status: criteria provided, single submitter. Criteria: Invitae Variant Classification Sherloc (09022015). Collection method: clinical testing. Allele origin: germline.
Comment: This sequence change creates a premature translational stop signal (p.Asn61Metfs*6) in the NPHP1 gene. It is expected to result in an absent or disrupted protein product. Loss-of-function variants in NPHP1 are known to be pathogenic (PMID: 23559409). This variant is not present in population databases (gnomAD no frequency). This variant has not been reported in the literature in individuals affected with NPHP1-related conditions. For these reasons, this variant has been classified as Pathogenic.

Fulgent Genetics
Classification: Likely pathogenic for Nephronophthisis 1; Senior-Loken syndrome 1; Joubert syndrome with renal defect. Last evaluated: 2024-04-16. Review status: criteria provided, single submitter. Criteria: ACMG Guidelines, 2015. Collection method: clinical testing. Allele origin: germline.

Baylor Genetics
Classification: Likely pathogenic for Joubert syndrome with renal defect. Last evaluated: 2024-02-22. Review status: criteria provided, single submitter. Criteria: ACMG Guidelines, 2015. Collection method: clinical testing. Allele origin: unknown.

Literature cited by the submitters: PubMed 23559409 (cited by Labcorp Genetics (formerly Invitae), Labcorp).

NM_001128178.3(NPHP1):c.182del (p.Asn61fs)

Gene: NPHP1 (nephrocystin 1; minus strand). Cytogenetic location: 2q13.
Variant type: Deletion.
Coding change: c.182del on transcript NM_001128178.3 (MANE Select); coding-DNA position 182, one base deleted (A; older notation c.182delA).
Protein change: p.Asn61fs; shifts the reading frame from asparagine 61.
Molecular consequence: frameshift variant. On other transcripts: intron variant (1).
Genome position (GRCh38, 1-based): chr2:110,179,646, T deleted on the plus strand (A on the coding strand, the reverse complement: NPHP1 is on the minus strand); the first of 5 consecutive T bases (chr2:110,179,646-110,179,650); deleting any one gives the same sequence. VCF-style (leftmost placement, unchanged base first): chr2-110179645-AT-A. GRCh37 (hg19) VCF-style: chr2-110937222-AT-A.
Other names: c.182del, p.Asn61fs (NM_000272.5, NM_001374256.1, NM_001374257.1 and 1 more transcripts); c.144-9648del (NM_001128179.3); c.182del (NM_000272.4); short protein forms N61fs.
Identifiers: ClinVar variation 3239950 (VCV003239950.4), dbSNP rs1683749371.